The following is an entry in ClinVar:

NM_004974.4(KCNA2):c.-77C>T

Gene: KCNA2 (potassium voltage-gated channel subfamily A member 2; minus strand). Cytogenetic location: 1p13.3.
Variant type: single nucleotide variant.
Coding change: c.-77C>T on transcript NM_004974.4 (MANE Select); 77 bases upstream of the start codon, C replaced by T.
Molecular consequence: 5 prime UTR variant.
Genome position (GRCh38, 1-based): chr1:110,604,859, G>A on the plus strand (C>T on the coding strand, the complement: KCNA2 is on the minus strand). VCF-style: chr1-110604859-G-A. GRCh37 (hg19) VCF-style: chr1-111147481-G-A.
Other names: c.-77C>T (NM_001204269.2).
Identifiers: ClinVar variation 4820933 (VCV004820933.4).

ClinVar aggregate classification (germline): Likely benign (1 of 4 stars; one submission).

Submission:

CeGaT Center for Human Genetics Tuebingen
Classification: Likely benign. Last evaluated: 2026-02-01. Review status: criteria provided, single submitter. Criteria: CeGaT Center For Human Genetics Tuebingen Variant Classification Criteria Version 2. Collection method: clinical testing. Allele origin: germline. Affected: yes. Observed: 1 variant allele.
Comment: KCNA2: BS2